The following is an entry in ClinVar:

NM_001378615.1(CC2D2A):c.2180A>G (p.Gln727Arg)

Genes: CC2D2A (coiled-coil and C2 domain containing 2A; plus strand), FBXL5 (F-box and leucine rich repeat protein 5; minus strand). Cytogenetic location: 4p15.32.
Variant type: single nucleotide variant.
Coding change: c.2180A>G on transcript NM_001378615.1 (MANE Select); coding-DNA position 2180, A replaced by G.
Protein change: p.Gln727Arg; replaces glutamine 727 with arginine.
Molecular consequence: missense variant.
Genome position (GRCh38, 1-based): chr4:15,541,013, A>G. VCF-style: chr4-15541013-A-G. GRCh37 (hg19) VCF-style: chr4-15542636-A-G.
Other names: c.2180A>G, p.Gln727Arg (NM_001080522.2); c.2033A>G, p.Gln678Arg (NM_001378617.1); short protein forms Q678R, Q727R.
Identifiers: ClinVar variation 1431490 (VCV001431490.8), dbSNP rs2109038955, ClinGen allele CA356414333.

ClinVar aggregate classification (germline): Uncertain significance (1 of 4 stars; one submission).

Conditions:
Joubert syndrome. Also called: JOUBERT-BOLTSHAUSER SYNDROME; Familial aplasia of the vermis. Identifiers: Orphanet 475, MedGen C5979921, MONDO:0018772.
Meckel-Gruber syndrome. Also called: DYSENCEPHALIA SPLANCHNOCYSTICA; GRUBER SYNDROME; Dysencephalia splachnocystica. Identifiers: Orphanet 564, MedGen C0265215, MONDO:0018921.

Submission:

Labcorp Genetics (formerly Invitae), Labcorp
Classification: Uncertain significance for Joubert syndrome; Meckel-Gruber syndrome. Last evaluated: 2021-06-04. Review status: criteria provided, single submitter. Criteria: Invitae Variant Classification Sherloc (09022015). Collection method: clinical testing. Allele origin: germline.
Comment: This variant is not present in population databases (ExAC no frequency). This sequence change replaces glutamine with arginine at codon 727 of the CC2D2A protein (p.Gln727Arg). The glutamine residue is moderately conserved and there is a small physicochemical difference between glutamine and arginine. This variant has not been reported in the literature in individuals with CC2D2A-related conditions. Algorithms developed to predict the effect of missense changes on protein structure and function (SIFT, PolyPhen-2, Align-GVGD) all suggest that this variant is likely to be tolerated, but these predictions have not been confirmed by published functional studies and their clinical significance is uncertain. Algorithms developed to predict the effect of sequence changes on RNA splicing suggest that this variant may disrupt the consensus splice site, but this prediction has not been confirmed by published transcriptional studies. In summary, the available evidence is currently insufficient to determine the role of this variant in disease. Therefore, it has been classified as a Variant of Uncertain Significance.